The following is an entry in ClinVar:

NM_000719.7(CACNA1C):c.478-10_478-5del

Gene: CACNA1C (calcium voltage-gated channel subunit alpha1 C; plus strand). Cytogenetic location: 12p13.33.
Variant type: Deletion.
Coding change: c.478-10_478-5del on transcript NM_000719.7 (MANE Select); 10 bases into the intron before coding-DNA position 478 through 5 bases into the intron before coding-DNA position 478, 6 bases deleted (TGTTTC; older notation c.478-10_478-5delTGTTTC).
Molecular consequence: intron variant.
Genome position (GRCh38, 1-based): chr12:2,448,966-2,448,971, TGTTTC deleted; deleting any 6 consecutive bases within chr12:2,448,962-2,448,971 gives the same sequence; the c. name uses the placement nearest the transcript's 3' end. VCF-style (leftmost placement, unchanged base first): chr12-2448961-ATTTCTG-A. GRCh37 (hg19) VCF-style: chr12-2558127-ATTTCTG-A.
Other names: c.478-10_478-5del (NM_001167624.3, NM_001167623.2, NM_001167625.2 and 19 more transcripts).
Identifiers: ClinVar variation 1690419 (VCV001690419.2), dbSNP rs2154562849, ClinGen allele CA2573148376.
Genomic context (GRCh38, chr12:2,448,961, plus strand): 5'-ATCTACTGGTTCCAAACTTTCCAAATCCCCAAACCAATGACTTATTTTTCTCTCTTTTCT[ATTTCTG>A]TTTCCTAGGAACGAGTGGAATATCTCTTTCTCATAATTTTTACGGTGGAAGCGTTTTTAA-3'

ClinVar aggregate classification (germline): Uncertain significance (1 of 4 stars; one submission).

Submission:

Laboratorio de Genetica e Diagnostico Molecular, Hospital Israelita Albert Einstein
Classification: Uncertain significance. Last evaluated: 2021-08-16. Review status: criteria provided, single submitter. Criteria: ACMG Guidelines, 2015. Collection method: clinical testing. Allele origin: germline. Affected: yes.
Comment: ACMG classification criteria: PM2